The following is an entry in ClinVar:

NM_007194.4(CHEK2):c.894dup (p.Ile299fs)

Gene: CHEK2 (checkpoint kinase 2; minus strand). Cytogenetic location: 22q12.1.
Variant type: Duplication.
Coding change: c.894dup on transcript NM_007194.4 (MANE Select); coding-DNA position 894, one base duplicated (T; older notation c.894dupT).
Protein change: p.Ile299fs; shifts the reading frame from isoleucine 299.
Molecular consequence: frameshift variant.
Genome position (GRCh38, 1-based): chr22:28,703,519, A duplicated on the plus strand (T on the coding strand, the reverse complement: CHEK2 is on the minus strand). VCF-style (leftmost placement, unchanged base first): chr22-28703518-T-TA. GRCh37 (hg19) VCF-style: chr22-29099506-T-TA.
Other names: c.1023dup, p.Ile342Tyrfs (NM_001005735.3); c.231dup, p.Ile78Tyrfs (NM_001257387.3); c.693dup, p.Ile232Tyrfs (NM_001349956.3); c.894dup, p.Ile299Tyrfs (NM_145862.3); short protein forms I342fs, I232fs, I299fs, I78fs.
Identifiers: ClinVar variation 2020217 (VCV002020217.4), dbSNP rs2517885454, ClinGen allele CA2580099371.

ClinVar aggregate classification (germline): Pathogenic (1 of 4 stars; one submission).

Conditions:
Familial cancer of breast. Also called: hereditary breast carcinoma; BREAST CANCER, FAMILIAL; Hereditary breast cancer. Identifiers: Orphanet 227535, MedGen C0346153, MONDO:0016419, OMIM 114480. Disease mechanism: loss of function.

Submission:

Labcorp Genetics (formerly Invitae), Labcorp
Classification: Pathogenic for Familial cancer of breast. Last evaluated: 2024-07-23. Review status: criteria provided, single submitter. Criteria: Invitae Variant Classification Sherloc (09022015). Collection method: clinical testing. Allele origin: germline.
Comment: This sequence change creates a premature translational stop signal (p.Ile299Tyrfs*13) in the CHEK2 gene. It is expected to result in an absent or disrupted protein product. Loss-of-function variants in CHEK2 are known to be pathogenic (PMID: 21876083, 24713400). This variant is not present in population databases (gnomAD no frequency). This variant has not been reported in the literature in individuals affected with CHEK2-related conditions. ClinVar contains an entry for this variant (Variation ID: 2020217). For these reasons, this variant has been classified as Pathogenic.

Literature cited by the submitters: PubMed 21876083; PubMed 24713400.